The following is an entry in ClinVar:

ClinVar aggregate classification (germline): Uncertain significance (1 of 4 stars; one submission).

Allele frequency attached by ClinVar (database versions not stated): gnomAD exomes below 0.00001.
gnomAD v4.1: 1 of 1,614,048 alleles (0.000062%); highest among the groups gnomAD compares: Non-Finnish European, 0.000085%; no homozygotes.

Submission:

Biesecker Lab/Clinical Genomics Section, National Institutes of Health
Classification: Uncertain significance. Last evaluated: 2013-06-24. Review status: criteria provided, single submitter. Criteria: Ng et al. (Circ Cardiovasc Genet. 2013). Collection method: research. Allele origin: unknown. Observed: 1 variant allele. Study: ClinSeq.
Comment: The study set was not selected for affection status in relation to any cancer. Pathogenicity categories were based on literature curation. See Pubmed ID:23861362 for details.

Medical sequencing

NM_033118.4(MYLK2):c.552C>A (p.Ser184Arg)

Gene: MYLK2 (myosin light chain kinase 2; plus strand). Cytogenetic location: 20q11.21.
Variant type: single nucleotide variant.
Coding change: c.552C>A on transcript NM_033118.4 (MANE Select); coding-DNA position 552, C replaced by A.
Protein change: p.Ser184Arg; replaces serine 184 with arginine.
Molecular consequence: missense variant.
Genome position (GRCh38, 1-based): chr20:31,821,517, C>A. VCF-style: chr20-31821517-C-A. GRCh37 (hg19) VCF-style: chr20-30409320-C-A.
Other names: short protein forms S184R.
Identifiers: ClinVar variation 191738 (VCV000191738.1), dbSNP rs786205284, ClinGen allele CA237412.